The following is an entry in ClinVar:

ClinVar aggregate classification (germline): Likely benign (1 of 4 stars; one submission).

gnomAD v4.1: 295 of 1,563,320 alleles (0.019%); highest among the groups gnomAD compares: East Asian, 0.6%; 1 homozygote.

Submission:

CeGaT Center for Human Genetics Tuebingen
Classification: Likely benign. Last evaluated: 2025-09-01. Review status: criteria provided, single submitter. Criteria: CeGaT Center For Human Genetics Tuebingen Variant Classification Criteria Version 2. Collection method: clinical testing. Allele origin: germline. Affected: yes. Observed: 1 variant allele.
Comment: C14orf39: BP4

NM_174978.3(C14orf39):c.945C>A (p.Asp315Glu)

Gene: C14orf39 (chromosome 14 open reading frame 39; minus strand). Cytogenetic location: 14q23.1.
Variant type: single nucleotide variant.
Coding change: c.945C>A on transcript NM_174978.3 (MANE Select); coding-DNA position 945, C replaced by A.
Protein change: p.Asp315Glu; replaces aspartic acid 315 with glutamic acid.
Molecular consequence: missense variant.
Genome position (GRCh38, 1-based): chr14:60,466,006, G>T on the plus strand (C>A on the coding strand, the complement: C14orf39 is on the minus strand). VCF-style: chr14-60466006-G-T. GRCh37 (hg19) VCF-style: chr14-60932724-G-T.
Other names: short protein forms D315E.
Identifiers: ClinVar variation 4280848 (VCV004280848.7).